The following is an entry in ClinVar:

NM_000212.3(ITGB3):c.1754A>C (p.Asn585Thr)

Gene: ITGB3 (integrin subunit beta 3; plus strand). Cytogenetic location: 17q21.32.
Variant type: single nucleotide variant.
Coding change: c.1754A>C on transcript NM_000212.3 (MANE Select); coding-DNA position 1754, A replaced by C.
Protein change: p.Asn585Thr; replaces asparagine 585 with threonine.
Molecular consequence: missense variant.
Genome position (GRCh38, 1-based): chr17:47,299,371, A>C. VCF-style: chr17-47299371-A-C. GRCh37 (hg19) VCF-style: chr17-45376737-A-C.
Other names: short protein forms N585T.
Identifiers: ClinVar variation 4748346 (VCV004748346.1).

ClinVar aggregate classification (germline): Uncertain significance (1 of 4 stars; one submission).

gnomAD v4.1: 3 of 1,614,100 alleles (0.00019%); highest among the groups gnomAD compares: East Asian, 0.0022%; no homozygotes.

Submission:

Labcorp Genetics (formerly Invitae), Labcorp
Classification: Uncertain significance. Last evaluated: 2025-11-09. Review status: criteria provided, single submitter. Criteria: Invitae Variant Classification Sherloc (09022015). Collection method: clinical testing. Allele origin: germline.
Comment: This sequence change replaces asparagine, which is neutral and polar, with threonine, which is neutral and polar, at codon 585 of the ITGB3 protein (p.Asn585Thr). This variant is present in population databases (no rsID available, gnomAD 0.005%). This variant has not been reported in the literature in individuals affected with ITGB3-related conditions. Invitae Evidence Modeling of protein sequence and biophysical properties (such as structural, functional, and spatial information, amino acid conservation, physicochemical variation, residue mobility, and thermodynamic stability) has been performed for this missense variant. However, the output from this modeling did not meet the statistical confidence thresholds required to predict the impact of this variant on ITGB3 protein function. In summary, the available evidence is currently insufficient to determine the role of this variant in disease. Therefore, it has been classified as a Variant of Uncertain Significance.